The following is an entry in ClinVar:

NM_052947.4(ALPK2):c.3188G>T (p.Gly1063Val)

Gene: ALPK2 (alpha kinase 2; minus strand). Cytogenetic location: 18q21.31.
Variant type: single nucleotide variant.
Coding change: c.3188G>T on transcript NM_052947.4 (MANE Select); coding-DNA position 3188, G replaced by T.
Protein change: p.Gly1063Val; replaces glycine 1063 with valine.
Molecular consequence: missense variant.
Genome position (GRCh38, 1-based): chr18:58,536,999, C>A on the plus strand (G>T on the coding strand, the complement: ALPK2 is on the minus strand). VCF-style: chr18-58536999-C-A. GRCh37 (hg19) VCF-style: chr18-56204231-C-A.
Other names: short protein forms G1063V.
Identifiers: ClinVar variation 3033303 (VCV003033303.2), dbSNP rs34347938, ClinGen allele CA8976947.
Genomic context (GRCh38, chr18:58,536,999, plus strand): 5'-GGGACTCCTGGCACACTGGGTGCCCTGCAAAGTAGCTCTTTTGTAGATTTGATGGTAGCA[C>A]CACTTAAAATATGATCCAACTGCACTTGGGAAGGAAATTGGGAAACCTTTTCATGGGATG-3'
Protein context (NP_443179.3, residues 1053-1073): SQVQLDHILS[Gly1063Val]ATIKSTKELL

ClinVar aggregate classification (germline): Benign (0 of 4 stars; one submission).

Conditions:
ALPK2-related disorder. Also called: ALPK2-related condition.

Allele frequency attached by ClinVar (database versions not stated): gnomAD exomes 0.00108; ExAC 0.00372; gnomAD 0.01240; TOPMed 0.01411; ESP Exome Variant Server 0.01453; 1000 Genomes Project 0.01538; 1000 Genomes Project 30x 0.01593.

Submission:

PreventionGenetics, part of Exact Sciences
Classification: Benign for ALPK2-related condition. Last evaluated: 2019-11-06. Review status: no assertion criteria provided. Collection method: clinical testing. Allele origin: germline.
Comment: This variant is classified as benign based on ACMG/AMP sequence variant interpretation guidelines (Richards et al. 2015 PMID: 25741868, with internal and published modifications).